The following is an entry in ClinVar:

ClinVar aggregate classification (germline): Benign. Review status: criteria provided, multiple submitters, no conflicts (2 of 4 stars). 13 submissions from 13 submitters: Benign (9). 4 of the submissions do not count toward it. Last evaluated 2026-02-04.

Conditions:
Maple syrup urine disease type 1A (MSUD1A). Also called: MSUD type 1A. Identifiers: MedGen C1855369, MONDO:0023691, OMIM 248600.
Maple syrup urine disease (MSUD). Identifiers: Orphanet 511, MedGen C0024776, MeSH D008375, MONDO:0009563. Disease mechanism: loss of function.

Allele frequency attached by ClinVar (database versions not stated): gnomAD exomes 0.59165 and 0.60545; ExAC 0.59935; 1000 Genomes Project 0.61641; 1000 Genomes Project 30x 0.62086; gnomAD 0.65604 and 0.66509; TOPMed 0.65656; ESP Exome Variant Server 0.67607.
gnomAD v4.1: 985,066 of 1,613,360 alleles (61%); highest among the groups gnomAD compares: African/African-American, 83%; 304,365 homozygotes.

Submissions (13):

Labcorp Genetics (formerly Invitae), Labcorp
Classification: Benign for Maple syrup urine disease. Last evaluated: 2026-02-04. Review status: criteria provided, single submitter. Criteria: Invitae Variant Classification Sherloc (09022015). Collection method: clinical testing. Allele origin: germline.

Blueprint Genetics
Classification: Benign. Last evaluated: 2024-11-28. Review status: criteria provided, single submitter. Criteria: ACMG Guidelines, 2015. Collection method: clinical testing. Allele origin: germline.

Mayo Clinic Laboratories, Mayo Clinic
Classification: Benign. Last evaluated: 2021-10-03. Review status: criteria provided, single submitter. Criteria: ACMG Guidelines, 2015. Collection method: clinical testing. Allele origin: germline. Observed: 20 variant alleles.

Genome-Nilou Lab
Classification: Benign for Maple syrup urine disease type 1A. Last evaluated: 2021-06-10. Review status: criteria provided, single submitter. Criteria: ACMG Guidelines, 2015. Collection method: clinical testing. Allele origin: germline. Affected: no.

Illumina Laboratory Services, Illumina
Classification: Benign for Maple syrup urine disease type 1A. Last evaluated: 2018-01-13. Review status: criteria provided, single submitter. Criteria: ICSL Variant Classification Criteria 13 December 2019. Collection method: clinical testing. Allele origin: germline.
Comment: This variant was observed in the ICSL laboratory as part of a predisposition screen in an ostensibly healthy population. It had not been previously curated by ICSL or reported in the Human Gene Mutation Database (HGMD: prior to June 1st, 2018), and was therefore a candidate for classification through an automated scoring system. Utilizing variant allele frequency, disease prevalence and penetrance estimates, and inheritance mode, an automated score was calculated to assess if this variant is too frequent to cause the disease. Based on the score and internal cut-off values, a variant classified as benign is not then subjected to further curation. The score for this variant resulted in a classification of benign for this disease.

Eurofins Ntd Llc (ga)
Classification: Benign. Last evaluated: 2016-01-12. Review status: criteria provided, single submitter. Criteria: EGL Classification Definitions 2015. Collection method: clinical testing. Allele origin: germline. Observed: 165 variant alleles, 64 heterozygotes, 101 homozygotes.

GeneDx
Classification: Benign. Last evaluated: 2015-03-03. Review status: criteria provided, single submitter. Criteria: GeneDx Variant Classification Process June 2021. Collection method: clinical testing. Allele origin: germline. Affected: yes.

Breakthrough Genomics
Classification: Benign. Review status: criteria provided, single submitter. Criteria: ACMG Guidelines, 2015. Collection method: not provided. Allele origin: germline. Inheritance: Autosomal recessive inheritance. Affected: yes.

PreventionGenetics, part of Exact Sciences
Classification: Benign. Review status: criteria provided, single submitter. Criteria: ACMG Guidelines, 2015. Collection method: clinical testing. Allele origin: germline.

Natera, Inc.
Classification: Benign for Maple syrup urine disease type 1A. Last evaluated: 2019-11-18. Review status: no assertion criteria provided. Collection method: clinical testing. Allele origin: germline. Not counted in ClinVar's aggregate classification.

Clinical Genetics, Academic Medical Center
Classification: Benign. Review status: no assertion criteria provided. Collection method: clinical testing. Allele origin: germline. Affected: yes. Study: VKGL Data-share Consensus. Not counted in ClinVar's aggregate classification.

Diagnostic Laboratory, Department of Genetics, University Medical Center Groningen
Classification: Benign for Maple syrup urine disease type 1A. Review status: no assertion criteria provided. Collection method: clinical testing. Allele origin: germline. Affected: yes. Study: VKGL Data-share Consensus. Not counted in ClinVar's aggregate classification.

Genetic Services Laboratory, University of Chicago
Classification: Likely benign for AllHighlyPenetrant. Review status: no assertion criteria provided. Collection method: clinical testing. Allele origin: germline. Inheritance: Autosomal recessive inheritance. Not counted in ClinVar's aggregate classification.
Comment: Likely benign based on allele frequency in 1000 Genomes Project or ESP global frequency and its presence in a patient with a rare or unrelated disease phenotype. NOT Sanger confirmed.

NM_000709.4(BCKDHA):c.972C>T (p.Phe324=)

Gene: BCKDHA (branched chain keto acid dehydrogenase E1 subunit alpha; plus strand). Cytogenetic location: 19q13.2.
Variant type: single nucleotide variant.
Coding change: c.972C>T on transcript NM_000709.4 (MANE Select); coding-DNA position 972, C replaced by T.
Protein change: p.Phe324=; no amino-acid change (phenylalanine 324 retained).
Molecular consequence: synonymous variant.
Genome position (GRCh38, 1-based): chr19:41,422,747, C>T. VCF-style: chr19-41422747-C-T. GRCh37 (hg19) VCF-style: chr19-41928652-C-T.
Other names: p.Phe324=; c.969C>T, p.Phe323= (NM_001164783.2).
Identifiers: ClinVar variation 93382 (VCV000093382.30), dbSNP rs284652, ClinGen allele CA146877.